The following is an entry in ClinVar:

ClinVar aggregate classification (germline): Pathogenic/Likely pathogenic. Review status: criteria provided, multiple submitters, no conflicts (2 of 4 stars). 4 submissions from 4 submitters: Pathogenic (2); Likely pathogenic (1). 1 of the submissions does not count toward it. Last evaluated 2025-12-16.

Conditions:
Joubert syndrome and related disorders. Identifiers: Orphanet 140874, MedGen C5679612, MONDO:0015369.
Meckel syndrome, type 3 (MKS3). Also called: MECKEL-GRUBER SYNDROME, TYPE 3. Identifiers: Orphanet 564, MedGen C1846357, MONDO:0011821, OMIM 607361.
TMEM67-related disorder. Also called: TMEM67-related condition; TMEM67-related disorders. Identifiers: MedGen CN239423.
Joubert syndrome. Also called: Familial aplasia of the vermis; JOUBERT-BOLTSHAUSER SYNDROME. Identifiers: Orphanet 475, MedGen C5979921, MONDO:0018772.
Meckel-Gruber syndrome. Also called: Dysencephalia splachnocystica; DYSENCEPHALIA SPLANCHNOCYSTICA; GRUBER SYNDROME. Identifiers: Orphanet 564, MedGen C0265215, MONDO:0018921.

Allele frequency attached by ClinVar (database versions not stated): gnomAD 0.00001; gnomAD exomes 0.00001 and 0.00004; ExAC 0.00007; 1000 Genomes Project 30x 0.00016; 1000 Genomes Project 0.00020.
gnomAD v4.1: 14 of 1,511,738 alleles (0.00093%); highest among the groups gnomAD compares: African/African-American, 0.0027%; no homozygotes.

Submissions (4):

Labcorp Genetics (formerly Invitae), Labcorp
Classification: Pathogenic for Joubert syndrome; Meckel-Gruber syndrome. Last evaluated: 2025-12-16. Review status: criteria provided, single submitter. Criteria: Invitae Variant Classification Sherloc (09022015). Collection method: clinical testing. Allele origin: germline.
Comment: This sequence change affects codon 813 of the TMEM67 mRNA. It is a 'silent' change, meaning that it does not change the encoded amino acid sequence of the TMEM67 protein. This variant also falls at the last nucleotide of exon 23, which is part of the consensus splice site for this exon. This variant is present in population databases (rs201791586, gnomAD 0.007%). This variant has been observed in individual(s) with TMEM67-related conditions (PMID: 17397051, 26123494). In at least one individual the data is consistent with being in trans (on the opposite chromosome) from a pathogenic variant. It has also been observed to segregate with disease in related individuals. ClinVar contains an entry for this variant (Variation ID: 1252093). Variants that disrupt the consensus splice site are a relatively common cause of aberrant splicing (PMID: 17576681, 9536098). Algorithms developed to predict the effect of sequence changes on RNA splicing suggest that this variant may disrupt the consensus splice site. For these reasons, this variant has been classified as Pathogenic.

PreventionGenetics, part of Exact Sciences
Classification: Likely pathogenic for TMEM67-related condition. Last evaluated: 2025-07-22. Review status: criteria provided, single submitter. Criteria: ACMG Guidelines, 2015. Collection method: clinical testing. Allele origin: germline.
Comment: The TMEM67 c.2439G>A variant is not predicted to result in an amino acid change (p.=). This variant affects the last nucleotide of exon 23 and is predicted to significantly reduce the strength of the canonical splice donor site (SpliceAI, Jaganathan et al. 2019. PubMed ID: 30661751). This variant has been reported in several individuals with autosomal recessive Meckel syndrome (Khaddour et al. 2007. PubMed ID: 17397051; Shaheen et al. 2015. PubMed ID: 26123494). This variant is reported in 0.0062% of alleles in individuals of European (non-Finnish) descent in gnomAD. An alternate nucleotide change affecting the same splice donor site (c.2439G>T) has been reported in the compound heterozygous state in two individuals with Meckel syndrome (Liu et al. 2021. PubMed ID: 34675960). This variant is interpreted as pathogenic in Clinvar. Taken together, this variant is interpreted as likely pathogenic.

Women's Health and Genetics/Laboratory Corporation of America, LabCorp
Classification: Pathogenic for Joubert syndrome and related disorders. Last evaluated: 2022-12-14. Review status: criteria provided, single submitter. Criteria: LabCorp Variant Classification Summary - May 2015. Collection method: clinical testing. Allele origin: germline.
Comment: Variant summary: TMEM67 c.2439G>A (p.Ala813Ala) alters a conserved nucleotide located close to a canonical splice site and is predicted to affect mRNA splicing resulting in a significantly altered protein due to either exon skipping, shortening, or inclusion of intronic material. Several computational tools predict a significant impact on normal splicing: three predict the variant abolishes a 5' splicing donor site, and one predicts the variant weakens a 5' donor site. However, these predictions have yet to be confirmed by functional studies. The variant allele was found at a frequency of 3.6e-05 in 250872 control chromosomes. c.2439G>A has been reported in the literature in individuals affected with Joubert Syndrome and related disorders, namely Meckel Syndrome, and was shown to segregate with disease within families (e.g. Khaddour_2007, Shaheen_2015, Liu_2021). These data indicate that the variant is likely to be associated with disease. To our knowledge, no experimental evidence demonstrating an impact on protein function has been reported. One ClinVar submitter (evaluation after 2014) has classified the variant as pathogenic. Based on the evidence outlined above, the variant was classified as pathogenic.

Genomic Medicine Center of Excellence, King Faisal Specialist Hospital and Research Centre
Classification: Pathogenic for Meckel syndrome, type 3. Last evaluated: 2021-04-29. Review status: no assertion criteria provided. Collection method: research. Allele origin: germline. Affected: yes. Not counted in ClinVar's aggregate classification.

Literature cited by the submitters: PubMed 17397051 (cited by Labcorp Genetics (formerly Invitae), Labcorp and Women's Health and Genetics/Laboratory Corporation of America, LabCorp); PubMed 26123494 (cited by Labcorp Genetics (formerly Invitae), Labcorp and Women's Health and Genetics/Laboratory Corporation of America, LabCorp); PubMed 17576681 (cited by Labcorp Genetics (formerly Invitae), Labcorp); PubMed 9536098 (cited by Labcorp Genetics (formerly Invitae), Labcorp); PubMed 34675960 (cited by Women's Health and Genetics/Laboratory Corporation of America, LabCorp).

NM_153704.6(TMEM67):c.2439G>A (p.Ala813=)

Gene: TMEM67 (transmembrane protein 67; plus strand). Cytogenetic location: 8q22.1.
Variant type: single nucleotide variant.
Coding change: c.2439G>A on transcript NM_153704.6 (MANE Select); coding-DNA position 2439, G replaced by A.
Protein change: p.Ala813=; no amino-acid change (alanine 813 retained).
Molecular consequence: synonymous variant. On other transcripts: non-coding transcript variant (1).
Genome position (GRCh38, 1-based): chr8:93,804,878, G>A. VCF-style: chr8-93804878-G-A. GRCh37 (hg19) VCF-style: chr8-94817106-G-A.
Other names: c.2196G>A, p.Ala732= (NM_001142301.1).
Identifiers: ClinVar variation 1252093 (VCV001252093.8), dbSNP rs201791586, ClinGen allele CA4808294.